The following is an entry in ClinVar:

NM_001035.3(RYR2):c.9435T>C (p.Ser3145=)

Gene: RYR2 (ryanodine receptor 2; plus strand). Cytogenetic location: 1q43.
Variant type: single nucleotide variant.
Coding change: c.9435T>C on transcript NM_001035.3 (MANE Select); coding-DNA position 9435, T replaced by C.
Protein change: p.Ser3145=; no amino-acid change (serine 3145 retained).
Molecular consequence: synonymous variant.
Genome position (GRCh38, 1-based): chr1:237,702,045, T>C. VCF-style: chr1-237702045-T-C. GRCh37 (hg19) VCF-style: chr1-237865345-T-C.
Other names: c.9435T>C, p.Ser3145= (LRG_402t1).
Identifiers: ClinVar variation 296740 (VCV000296740.22), dbSNP rs774657844, ClinGen allele CA087892.

ClinVar aggregate classification (germline): Conflicting classifications of pathogenicity. Review status: criteria provided, conflicting classifications (1 of 4 stars). 7 submissions from 6 submitters: Uncertain significance (2); Benign (1); Likely benign (4). Last evaluated 2025-08-11.

Conditions:
Cardiovascular phenotype. Identifiers: MedGen CN230736.
Catecholaminergic polymorphic ventricular tachycardia (CVPT). Also called: Catecholamine-induced polymorphic ventricular tachycardia. Identifiers: Orphanet 3286, MedGen C5574922, MONDO:0017990.
Arrhythmogenic right ventricular dysplasia 2. Identifiers: MedGen C1832931.
Cardiomyopathy (CMYO). Also called: Cardiomyopathies. Identifiers: Orphanet 167848, MedGen C0878544, MONDO:0004994, HP:0001638. Inheritance: Various modes of inheritance.
Catecholaminergic polymorphic ventricular tachycardia 1. Also called: VENTRICULAR TACHYCARDIA, CATECHOLAMINERGIC POLYMORPHIC, 1, WITH OR WITHOUT ATRIAL DYSFUNCTION AND/OR DILATED CARDIOMYOPATHY; VENTRICULAR TACHYCARDIA, STRESS-INDUCED POLYMORPHIC 1; RYR2-Related Catecholaminergic Polymorphic Ventricular Tachycardia. Identifiers: Orphanet 3286, MedGen C1631597, MONDO:0011484, OMIM 604772.

Allele frequency attached by ClinVar (database versions not stated): ExAC 0.00001; gnomAD exomes 0.00001 and 0.00003; TOPMed 0.00002; gnomAD 0.00004.
gnomAD v4.1: 24 of 1,592,370 alleles (0.0015%); highest among the groups gnomAD compares: Non-Finnish European, 0.00034%; no homozygotes.

Submissions (7):

Labcorp Genetics (formerly Invitae), Labcorp
Classification: Likely benign for Catecholaminergic polymorphic ventricular tachycardia 1. Last evaluated: 2025-08-11. Review status: criteria provided, single submitter. Criteria: Invitae Variant Classification Sherloc (09022015). Collection method: clinical testing. Allele origin: germline.

All of Us Research Program, National Institutes of Health
Classification: Likely benign for Catecholaminergic polymorphic ventricular tachycardia. Last evaluated: 2023-12-13. Review status: criteria provided, single submitter. Criteria: ACMG Guidelines, 2015. Collection method: clinical testing. Allele origin: germline. Inheritance: Autosomal dominant inheritance. Observed: 6 variant alleles, 6 heterozygotes.
Comment: This study involves interpretation of variants in research participants for the purpose of population health screening. Participant phenotype was not available at the time of variant classification. Additional details can be found in publication PMID: 35346344, PMCID: PMC8962531

Ambry Genetics
Classification: Likely benign for Cardiovascular phenotype. Last evaluated: 2019-12-16. Review status: criteria provided, single submitter. Criteria: Ambry Variant Classification Scheme 2023. Collection method: clinical testing. Allele origin: germline.

Color Diagnostics, LLC DBA Color Health
Classification: Likely benign for Cardiomyopathy. Last evaluated: 2019-02-08. Review status: criteria provided, single submitter. Criteria: ACMG Guidelines, 2015. Collection method: clinical testing. Allele origin: germline.

Illumina Laboratory Services, Illumina
Classification: Uncertain significance for Catecholaminergic polymorphic ventricular tachycardia 1. Last evaluated: 2018-01-13. Review status: criteria provided, single submitter. Criteria: ICSL Variant Classification Criteria 13 December 2019. Collection method: clinical testing. Allele origin: germline.

Illumina Laboratory Services, Illumina
Classification: Uncertain significance for Catecholaminergic polymorphic ventricular tachycardia 1. Last evaluated: 2018-01-13. Review status: criteria provided, single submitter. Criteria: ICSL Variant Classification Criteria 13 December 2019. Collection method: clinical testing. Allele origin: germline.

GeneDx
Classification: Benign. Last evaluated: 2016-03-24. Review status: criteria provided, single submitter. Criteria: GeneDx Variant Classification (06012015). Collection method: clinical testing. Allele origin: germline. Affected: yes.
Comment: This variant is considered likely benign or benign based on one or more of the following criteria: it is a conservative change, it occurs at a poorly conserved position in the protein, it is predicted to be benign by multiple in silico algorithms, and/or has population frequency not consistent with disease.